The following is an entry in ClinVar:

NM_024312.5(GNPTAB):c.1924_1927del (p.Asn642fs)

Gene: GNPTAB (N-acetylglucosamine-1-phosphate transferase subunits alpha and beta; minus strand). Cytogenetic location: 12q23.2.
Variant type: Deletion.
Coding change: c.1924_1927del on transcript NM_024312.5 (MANE Select); coding-DNA positions 1924 to 1927, 4 bases deleted (AATT; older notation c.1924_1927delAATT).
Protein change: p.Asn642fs; shifts the reading frame from asparagine 642.
Molecular consequence: frameshift variant.
Genome position (GRCh38, 1-based): chr12:101,764,990-101,764,993, AATT deleted on the plus strand (AATT on the coding strand, the reverse complement: GNPTAB is on the minus strand). VCF-style (leftmost placement, unchanged base first): chr12-101764989-GAATT-G. GRCh37 (hg19) VCF-style: chr12-102158767-GAATT-G.
Other names: short protein forms N642fs.
Identifiers: ClinVar variation 4816139 (VCV004816139.1).

ClinVar aggregate classification (germline): Pathogenic (1 of 4 stars; one submission).

Conditions:
Mucolipidosis type II. Also called: ML II ALPHA/BETA; Mucolipidosis 2; ML 2; Inclusion cell disease; Leroy Disease; N-acetylglucosamine 1phosphotransferase deficiency. Identifiers: Orphanet 576, MedGen C2673377, MONDO:0009650, OMIM 252500.

Submission:

Natera, Inc.
Classification: Pathogenic for Mucolipidosis type II. Last evaluated: 2024-12-21. Review status: criteria provided, single submitter. Criteria: Natera Variant Classification Schema (03/2026). Collection method: clinical testing. Allele origin: germline.
Comment: The c.1924_1927del variant in GNPTAB is a frameshift variant predicted to shift the reading frame beginning at codon 642 and leads to a stop codon 10 codons downstream. This variant is expected to result in nonsense mediated decay, truncation, or a dysfunctional protein product. This variant is rare in the general population with a frequency below the threshold expected for the associated phenotype(s). This variant has been observed in one or more individuals affected with the associated recessive disease, as either homozygous or compound heterozygous with a second variant (PMID: 28918368). Given the available evidence, this variant is classified as Pathogenic.

Literature cited by the submitters: PubMed 28918368.